The following is an entry in ClinVar:

ClinVar aggregate classification (germline): Uncertain significance. Review status: criteria provided, multiple submitters, no conflicts (2 of 4 stars). 2 submissions from 2 submitters: Uncertain significance (2). Last evaluated 2025-08-21.

Conditions:
Hereditary cancer-predisposing syndrome. Also called: Neoplastic Syndromes, Hereditary; Hereditary Cancer Syndrome; Hereditary neoplastic syndrome; Tumor predisposition. Identifiers: Orphanet 140162, MedGen C0027672, MeSH D009386, MONDO:0015356.
Gastrointestinal stromal tumor. Also called: Gastrointestinal stromal tumor, somatic; Gastrointestinal stroma tumor. Identifiers: Orphanet 44890, MedGen C0238198, MeSH D046152, MONDO:0011719, OMIM 606764, HP:0100723.

Submissions (2):

Ambry Genetics
Classification: Uncertain significance for Hereditary cancer-predisposing syndrome. Last evaluated: 2025-08-21. Review status: criteria provided, single submitter. Criteria: Ambry Variant Classification Scheme 2023. Collection method: clinical testing. Allele origin: germline.
Comment: The p.A1014V variant (also known as c.3041C>T), located in coding exon 21 of the PDGFRA gene, results from a C to T substitution at nucleotide position 3041. The alanine at codon 1014 is replaced by valine, an amino acid with similar properties. This amino acid position is not well conserved in available vertebrate species. In addition, this alteration is predicted to be tolerated by in silico analysis. Based on the available evidence, the clinical significance of this variant remains unclear.

Labcorp Genetics (formerly Invitae), Labcorp
Classification: Uncertain significance for Gastrointestinal stromal tumor. Last evaluated: 2024-04-08. Review status: criteria provided, single submitter. Criteria: Invitae Variant Classification Sherloc (09022015). Collection method: clinical testing. Allele origin: germline.
Comment: This sequence change replaces alanine, which is neutral and non-polar, with valine, which is neutral and non-polar, at codon 1014 of the PDGFRA protein (p.Ala1014Val). This variant is not present in population databases (gnomAD no frequency). This variant has not been reported in the literature in individuals affected with PDGFRA-related conditions. ClinVar contains an entry for this variant (Variation ID: 1018613). Advanced modeling of protein sequence and biophysical properties (such as structural, functional, and spatial information, amino acid conservation, physicochemical variation, residue mobility, and thermodynamic stability) performed at Invitae indicates that this missense variant is not expected to disrupt PDGFRA protein function with a negative predictive value of 80%. In summary, the available evidence is currently insufficient to determine the role of this variant in disease. Therefore, it has been classified as a Variant of Uncertain Significance.

NM_006206.6(PDGFRA):c.3041C>T (p.Ala1014Val)

Gene: PDGFRA (platelet derived growth factor receptor alpha; plus strand). Cytogenetic location: 4q12.
Variant type: single nucleotide variant.
Coding change: c.3041C>T on transcript NM_006206.6 (MANE Select); coding-DNA position 3041, C replaced by T.
Protein change: p.Ala1014Val; replaces alanine 1014 with valine.
Molecular consequence: missense variant.
Genome position (GRCh38, 1-based): chr4:54,290,473, C>T. VCF-style: chr4-54290473-C-T. GRCh37 (hg19) VCF-style: chr4-55156640-C-T.
Other names: c.3041C>T (NM_006206.4); c.3116C>T, p.Ala1039Val (NM_001347828.2); c.3041C>T, p.Ala1014Val (NM_001347829.2); c.3080C>T, p.Ala1027Val (NM_001347830.2); short protein forms A1014V, A1027V, A1039V.
Identifiers: ClinVar variation 1018613 (VCV001018613.10), dbSNP rs1724573125, ClinGen allele CA356896254.